The following is an entry in ClinVar:

ClinVar aggregate classification (germline): Likely pathogenic (1 of 4 stars; one submission).

Conditions:
Lynch syndrome 8 (LYNCH8). Also called: Colorectal cancer, hereditary nonpolyposis, type 8. Identifiers: Orphanet 144, MedGen C2750471, MONDO:0013196, OMIM 613244.

Submission:

Foundation for Research in Genetics and Endocrinology, FRIGE's Institute of Human Genetics
Classification: Likely pathogenic for Lynch syndrome 8. Review status: criteria provided, single submitter. Criteria: ACMG Guidelines, 2015. Collection method: clinical testing. Allele origin: germline. Inheritance: Autosomal dominant inheritance. Affected: yes. Observed: 1 heterozygote.
Comment: A large heterozygous deletion of size 13.15 kb on chromosome 2 [chr2:g.(47369582_47373462)_(47386613_?)del] encompasses exons 2-9 of the EPCAM gene. Contiguous deletion of this region have previously been reported in patients with Lynch syndrome.

Literature cited by the submitters: PubMed 23938213; PubMed 21309036; PubMed 21145788.

NC_000002.12:g.(47369582_47373462)_(47386613_?)del

Genes: EPCAM (epithelial cell adhesion molecule; plus strand), MIR559 (microRNA 559; plus strand). Cytogenetic location: 2p21.
Variant type: Deletion.
Identifiers: ClinVar variation 3336801 (VCV003336801.2).